The following is an entry in ClinVar:

ClinVar aggregate classification (germline): Uncertain significance. Review status: criteria provided, multiple submitters, no conflicts (2 of 4 stars). 2 submissions from 2 submitters: Uncertain significance (2). Last evaluated 2023-12-08.

Conditions:
Atrial fibrillation, familial, 18 (ATFB18). Identifiers: MedGen C4310636, MONDO:0015001, OMIM 617280.

Allele frequency attached by ClinVar (database versions not stated): TOPMed below 0.00001; gnomAD 0.00001.
gnomAD v4.1: 5 of 1,614,060 alleles (0.00031%); highest among the groups gnomAD compares: East Asian, 0.0067%; no homozygotes.

Submissions (2):

Ambry Genetics
Classification: Uncertain significance. Last evaluated: 2023-12-08. Review status: criteria provided, single submitter. Criteria: Ambry Variant Classification Scheme 2023. Collection method: clinical testing. Allele origin: germline.

Labcorp Genetics (formerly Invitae), Labcorp
Classification: Uncertain significance for Atrial fibrillation, familial, 18. Last evaluated: 2023-08-17. Review status: criteria provided, single submitter. Criteria: Invitae Variant Classification Sherloc (09022015). Collection method: clinical testing. Allele origin: germline.
Comment: This sequence change replaces proline, which is neutral and non-polar, with alanine, which is neutral and non-polar, at codon 8 of the MYL4 protein (p.Pro8Ala). This variant is not present in population databases (gnomAD no frequency). This variant has not been reported in the literature in individuals affected with MYL4-related conditions. Experimental studies and prediction algorithms are not available or were not evaluated, and the functional significance of this variant is currently unknown. In summary, the available evidence is currently insufficient to determine the role of this variant in disease. Therefore, it has been classified as a Variant of Uncertain Significance.

NM_002476.2(MYL4):c.22C>G (p.Pro8Ala)

Gene: MYL4 (myosin light chain 4; plus strand). Cytogenetic location: 17q21.32.
Variant type: single nucleotide variant.
Coding change: c.22C>G on transcript NM_002476.2 (MANE Select); coding-DNA position 22, C replaced by G.
Protein change: p.Pro8Ala; replaces proline 8 with alanine.
Molecular consequence: missense variant.
Genome position (GRCh38, 1-based): chr17:47,209,444, C>G. VCF-style: chr17-47209444-C-G. GRCh37 (hg19) VCF-style: chr17-45286810-C-G.
Other names: c.22C>G (NM_001002841.1); c.22C>G, p.Pro8Ala (NM_001002841.2); short protein forms P8A.
Identifiers: ClinVar variation 2892720 (VCV002892720.4), dbSNP rs2064754589, ClinGen allele CA400030827.